The following is an entry in ClinVar:

NM_006593.4(TBR1):c.938dup (p.Asn313fs)

Gene: TBR1 (T-box brain transcription factor 1; plus strand). Cytogenetic location: 2q24.2.
Variant type: Duplication.
Coding change: c.938dup on transcript NM_006593.4 (MANE Select); coding-DNA position 938, one base duplicated (A; older notation c.938dupA).
Protein change: p.Asn313fs; shifts the reading frame from asparagine 313.
Molecular consequence: frameshift variant.
Genome position (GRCh38, 1-based): chr2:161,418,291, A duplicated; the last of 2 consecutive A bases (chr2:161,418,290-161,418,291); duplicating either gives the same sequence. VCF-style (leftmost placement, unchanged base first): chr2-161418289-G-GA. GRCh37 (hg19) VCF-style: chr2-162274800-G-GA.
Other names: short protein forms N313fs.
Identifiers: ClinVar variation 4879674 (VCV004879674.1).

ClinVar aggregate classification (germline): Pathogenic (1 of 4 stars; one submission).

Conditions:
Intellectual developmental disorder with autism and speech delay. Also called: Autism, susceptibility to, 5; Autism 5; AUTISM-RELATED SPEECH DELAY; PHRASE SPEECH DELAY, AUTISM-RELATED; AUTS5. Identifiers: MedGen C1853755, MONDO:0011627, OMIM 606053.

Submission:

Victorian Clinical Genetics Services, Murdoch Childrens Research Institute
Classification: Pathogenic for Intellectual developmental disorder with autism and speech delay. Last evaluated: 2026-07-22. Review status: criteria provided, single submitter. Criteria: ACMG Guidelines, 2015. Collection method: clinical testing. Allele origin: germline. Affected: yes.
Comment: This variant is classified as Pathogenic. Evidence in support of pathogenic classification: This variant is predicted to cause nonsense-mediated decay (NMD) and loss of protein (premature termination codon is located at least 54 nucleotides upstream of the final exon-exon junction); This variant is absent from gnomAD v4; Other variants comparable to the one identified in this case have very strong previous evidence for pathogenicity (DECIPHER); Additional information: This variant is heterozygous; This gene is associated with autosomal dominant disease; Loss of function is a known mechanism of disease in this gene and is associated with intellectual developmental disorder with autism and speech delay (MIM#606053). Dominant negative has also been suggested as a mechanism of disease for missense variants (PMID: 25232744).

Literature cited by the submitters: PubMed 25232744.